The following is an entry in ClinVar:

NM_002739.5(PRKCG):c.1926C>G (p.Asn642Lys)

Gene: PRKCG (protein kinase C gamma; plus strand). Cytogenetic location: 19q13.42.
Variant type: single nucleotide variant.
Coding change: c.1926C>G on transcript NM_002739.5 (MANE Select); coding-DNA position 1926, C replaced by G.
Protein change: p.Asn642Lys; replaces asparagine 642 with lysine.
Molecular consequence: missense variant.
Genome position (GRCh38, 1-based): chr19:53,906,727, C>G. VCF-style: chr19-53906727-C-G. GRCh37 (hg19) VCF-style: chr19-54409981-C-G.
Other names: c.1926C>G, p.Asn642Lys (NM_001316329.2); short protein forms N642K.
Identifiers: ClinVar variation 1283911 (VCV001283911.23), dbSNP rs1486368788, ClinGen allele CA407420352.

ClinVar aggregate classification (germline): Likely pathogenic. Review status: criteria provided, multiple submitters, no conflicts (2 of 4 stars). 2 submissions from 2 submitters: Likely pathogenic (2). Last evaluated 2023-12-01.

Conditions:
Hereditary ataxia. Also called: Hereditary Ataxias. Identifiers: Orphanet 183518, MedGen C0004138, MONDO:0100309, MONDO:0000557.

Submissions (2):

CeGaT Center for Human Genetics Tuebingen
Classification: Likely pathogenic. Last evaluated: 2023-12-01. Review status: criteria provided, single submitter. Criteria: CeGaT Center For Human Genetics Tuebingen Variant Classification Criteria Version 2. Collection method: clinical testing. Allele origin: germline. Affected: yes. Observed: 2 variant alleles.
Comment: PRKCG: PM2, PP1, PP2, PP3, PS4:Supporting

Institute of Medical Genetics and Applied Genomics, University Hospital Tübingen
Classification: Likely pathogenic for Hereditary ataxia. Last evaluated: 2021-09-22. Review status: criteria provided, single submitter. Criteria: ACMG Guidelines, 2015. Collection method: clinical testing. Allele origin: germline. Inheritance: Autosomal dominant inheritance. Affected: yes.